The following is an entry in ClinVar:

NM_152564.5(VPS13B):c.9657T>C (p.Tyr3219=)

Gene: VPS13B (vacuolar protein sorting 13 homolog B; plus strand). Cytogenetic location: 8q22.2.
Variant type: single nucleotide variant.
Coding change: c.9657T>C on transcript NM_152564.5 (MANE Select); coding-DNA position 9657, T replaced by C.
Protein change: p.Tyr3219=; no amino-acid change (tyrosine 3219 retained).
Molecular consequence: synonymous variant.
Genome position (GRCh38, 1-based): chr8:99,835,239, T>C. VCF-style: chr8-99835239-T-C. GRCh37 (hg19) VCF-style: chr8-100847467-T-C.
Other names: c.9657T>C (NM_152564.4); c.9732T>C, p.Tyr3244= (NM_017890.5).
Identifiers: ClinVar variation 1077233 (VCV001077233.11), dbSNP rs780634043, ClinGen allele CA4824759.

ClinVar aggregate classification (germline): Likely benign. Review status: criteria provided, single submitter (1 of 4 stars). 2 submissions from 2 submitters: Likely benign (1). 1 of the submissions does not count toward it. Last evaluated 2026-01-28.

Conditions:
VPS13B-related disorder. Also called: VPS13B-related condition.
Cohen syndrome (COH1). Also called: PEPPER SYNDROME; Cutis verticis gyrata, retinitis pigmentosa, and sensorineural deafness. Identifiers: Orphanet 193, MedGen C0265223, MONDO:0008999, OMIM 216550.

Allele frequency attached by ClinVar (database versions not stated): ExAC 0.00002; gnomAD exomes 0.00002; TOPMed 0.00004; gnomAD 0.00005 and 0.00006.
gnomAD v4.1: 14 of 1,613,896 alleles (0.00087%); highest among the groups gnomAD compares: African/African-American, 0.015%; no homozygotes.

Submissions (2):

Labcorp Genetics (formerly Invitae), Labcorp
Classification: Likely benign for Cohen syndrome. Last evaluated: 2026-01-28. Review status: criteria provided, single submitter. Criteria: Invitae Variant Classification Sherloc (09022015). Collection method: clinical testing. Allele origin: germline.

PreventionGenetics, part of Exact Sciences
Classification: Likely benign for VPS13B-related condition. Last evaluated: 2021-10-27. Review status: no assertion criteria provided. Collection method: clinical testing. Allele origin: germline. Not counted in ClinVar's aggregate classification.
Comment: This variant is classified as likely benign based on ACMG/AMP sequence variant interpretation guidelines (Richards et al. 2015 PMID: 25741868, with internal and published modifications).